The following is an entry in ClinVar:

ClinVar aggregate classification (germline): Uncertain significance. Review status: criteria provided, multiple submitters, no conflicts (2 of 4 stars). 2 submissions from 2 submitters: Uncertain significance (2). Last evaluated 2025-04-08.

Conditions:
Amyotrophic lateral sclerosis type 1 (ALS1). Also called: AMYOTROPHIC LATERAL SCLEROSIS 1, FAMILIAL. Identifiers: Orphanet 803, MedGen C1862939, MONDO:0007103, OMIM 105400.
Neuronopathy, distal hereditary motor, type 7B. Also called: HMN VIIB; LOWER MOTOR NEURON DISEASE, DYNACTIN TYPE; NEURONOPATHY, DISTAL HEREDITARY MOTOR, AUTOSOMAL DOMINANT 14; NEURONOPATHY, DISTAL HEREDITARY MOTOR, HARDING TYPE VIIB; NEUROPATHY, DISTAL HEREDITARY MOTOR, HARDING TYPE VIIB; NEUROPATHY, DISTAL HEREDITARY MOTOR, WITH VOCAL CORD PARALYSIS, HARDING TYPE VIIB. Identifiers: Orphanet 139589, MedGen C1843315, MONDO:0011879, OMIM 607641.
Perry syndrome. Also called: PARKINSONISM WITH ALVEOLAR HYPOVENTILATION AND MENTAL DEPRESSION. Identifiers: Orphanet 178509, MedGen C1868594, MONDO:0008201, OMIM 168605.

Allele frequency attached by ClinVar (database versions not stated): gnomAD exomes 0.00001.
gnomAD v4.1: 6 of 1,614,144 alleles (0.00037%); highest among the groups gnomAD compares: Non-Finnish European, 0.00051%; no homozygotes.

Submissions (2):

Labcorp Genetics (formerly Invitae), Labcorp
Classification: Uncertain significance for Amyotrophic lateral sclerosis type 1; Neuronopathy, distal hereditary motor, type 7B; Perry syndrome. Last evaluated: 2025-04-08. Review status: criteria provided, single submitter. Criteria: Invitae Variant Classification Sherloc (09022015). Collection method: clinical testing. Allele origin: germline.
Comment: This sequence change replaces glycine, which is neutral and non-polar, with arginine, which is basic and polar, at codon 963 of the DCTN1 protein (p.Gly963Arg). This variant is not present in population databases (gnomAD no frequency). This variant has not been reported in the literature in individuals affected with DCTN1-related conditions. ClinVar contains an entry for this variant (Variation ID: 2939543). Invitae Evidence Modeling of protein sequence and biophysical properties (such as structural, functional, and spatial information, amino acid conservation, physicochemical variation, residue mobility, and thermodynamic stability) indicates that this missense variant is not expected to disrupt DCTN1 protein function with a negative predictive value of 95%. In summary, the available evidence is currently insufficient to determine the role of this variant in disease. Therefore, it has been classified as a Variant of Uncertain Significance.

GeneDx
Classification: Uncertain significance. Last evaluated: 2023-12-06. Review status: criteria provided, single submitter. Criteria: GeneDx Variant Classification Process June 2021. Collection method: clinical testing. Allele origin: germline. Affected: yes.
Comment: Not observed at significant frequency in large population cohorts (gnomAD); In silico analysis supports that this missense variant does not alter protein structure/function; Has not been previously published as pathogenic or benign to our knowledge

NM_004082.5(DCTN1):c.2887G>C (p.Gly963Arg)

Gene: DCTN1 (dynactin subunit 1; minus strand). Cytogenetic location: 2p13.1.
Variant type: single nucleotide variant.
Coding change: c.2887G>C on transcript NM_004082.5 (MANE Select); coding-DNA position 2887, G replaced by C.
Protein change: p.Gly963Arg; replaces glycine 963 with arginine.
Molecular consequence: missense variant. On other transcripts: non-coding transcript variant (1).
Genome position (GRCh38, 1-based): chr2:74,365,657, C>G on the plus strand (G>C on the coding strand, the complement: DCTN1 is on the minus strand). VCF-style: chr2-74365657-C-G. GRCh37 (hg19) VCF-style: chr2-74592784-C-G.
Other names: c.2827G>C, p.Gly943Arg (NM_001135040.3); c.2485G>C, p.Gly829Arg (NM_001135041.3, NM_023019.4); c.2776G>C, p.Gly926Arg (NM_001190836.2); c.2866G>C, p.Gly956Arg (NM_001190837.2); c.2836G>C, p.Gly946Arg (NM_001378991.1); c.2818G>C, p.Gly940Arg (NM_001378992.1); short protein forms G926R, G940R, G946R, G943R, G963R, G829R, G956R.
Identifiers: ClinVar variation 2939543 (VCV002939543.4), dbSNP rs1674350754, ClinGen allele CA347342044.
Genomic context (GRCh38, chr2:74,365,657, plus strand): 5'-CACTGTCCAACTTCTTCTCCAGGAGGCTCAGCCGCACATTGGCCTCACTTAGCTCCTCTC[C>G]CTGGACAAGGACAGAACTTCTAGATCCCTGACATCCTCCCCACAGTCCCTGGAAACTGGG-3'
Protein context (NP_004073.2, residues 953-973): KELKKSLKIK[Gly963Arg]EELSEANVRL